The following is an entry in ClinVar:

ClinVar aggregate classification (germline): Uncertain significance (1 of 4 stars; one submission).

Submission:

Labcorp Genetics (formerly Invitae), Labcorp
Classification: Uncertain significance. Last evaluated: 2026-01-19. Review status: criteria provided, single submitter. Criteria: Invitae Variant Classification Sherloc (09022015). Collection method: clinical testing. Allele origin: germline.
Comment: This sequence change replaces leucine, which is neutral and non-polar, with arginine, which is basic and polar, at codon 1872 of the TET2 protein (p.Leu1872Arg). This variant is not present in population databases (gnomAD no frequency). This variant has not been reported in the literature in individuals affected with TET2-related conditions. An algorithm developed to predict the effect of missense changes on protein structure and function (PolyPhen-2) suggests that this variant is likely to be disruptive. In summary, the available evidence is currently insufficient to determine the role of this variant in disease. Therefore, it has been classified as a Variant of Uncertain Significance.

NM_001127208.3(TET2):c.5615T>G (p.Leu1872Arg)

Genes: TET2 (tet methylcytosine dioxygenase 2; plus strand), TET2-AS1 (TET2 antisense RNA 1; minus strand). Cytogenetic location: 4q24.
Variant type: single nucleotide variant.
Coding change: c.5615T>G on transcript NM_001127208.3 (MANE Select); coding-DNA position 5615, T replaced by G.
Protein change: p.Leu1872Arg; replaces leucine 1872 with arginine.
Molecular consequence: missense variant.
Genome position (GRCh38, 1-based): chr4:105,276,125, T>G. VCF-style: chr4-105276125-T-G. GRCh37 (hg19) VCF-style: chr4-106197282-T-G.
Other names: short protein forms L1872R.
Identifiers: ClinVar variation 4735674 (VCV004735674.1).